The following is an entry in ClinVar:

NM_001111.5(ADAR):c.1757A>G (p.His586Arg)

Gene: ADAR (adenosine deaminase RNA specific; minus strand). Cytogenetic location: 1q21.3.
Variant type: single nucleotide variant.
Coding change: c.1757A>G on transcript NM_001111.5 (MANE Select); coding-DNA position 1757, A replaced by G.
Protein change: p.His586Arg; replaces histidine 586 with arginine.
Molecular consequence: missense variant.
Genome position (GRCh38, 1-based): chr1:154,598,430, T>C on the plus strand (A>G on the coding strand, the complement: ADAR is on the minus strand). VCF-style: chr1-154598430-T-C. GRCh37 (hg19) VCF-style: chr1-154570906-T-C.
Other names: c.872A>G, p.His291Arg (NM_001025107.3, NM_001193495.2, NM_001365046.1 and 3 more transcripts); c.1784A>G, p.His595Arg (NM_001365045.1); c.1757A>G, p.His586Arg (NM_015840.4, NM_015841.4); short protein forms H291R, H586R, H595R.
Identifiers: ClinVar variation 2622201 (VCV002622201.6), dbSNP rs1445947516, ClinGen allele CA342639265.

ClinVar aggregate classification (germline): Uncertain significance. Review status: criteria provided, multiple submitters, no conflicts (2 of 4 stars). 2 submissions from 2 submitters: Uncertain significance (2). Last evaluated 2026-07-02.

Conditions:
Aicardi-Goutieres syndrome 6 (AGS6). Identifiers: Orphanet 51, MedGen C3539013, MONDO:0014007, OMIM 615010.
Symmetrical dyschromatosis of extremities (DSH). Also called: DYSCHROMATOSIS SYMMETRICA HEREDITARIA 1; RETICULATE ACROPIGMENTATION OF DOHI; SYMMETRIC DYSCHROMATOSIS OF THE EXTREMITIES; Dyschromatosis symmetrica hereditaria. Identifiers: Orphanet 41, MedGen C0406775, MONDO:0007483, OMIM 127400.
Inborn genetic diseases. Identifiers: MedGen C0950123, MeSH D030342.

Allele frequency attached by ClinVar (database versions not stated): gnomAD 0.00001; TOPMed 0.00001.
gnomAD v4.1: 6 of 1,614,122 alleles (0.00037%); highest among the groups gnomAD compares: African/African-American, 0.0027%; no homozygotes.

Submissions (2):

Ambry Genetics
Classification: Uncertain significance for Inborn genetic diseases. Last evaluated: 2026-07-02. Review status: criteria provided, single submitter. Criteria: Ambry Variant Classification Scheme 2023. Collection method: clinical testing. Allele origin: germline.

Labcorp Genetics (formerly Invitae), Labcorp
Classification: Uncertain significance for Aicardi-Goutieres syndrome 6; Symmetrical dyschromatosis of extremities. Last evaluated: 2025-09-24. Review status: criteria provided, single submitter. Criteria: Invitae Variant Classification Sherloc (09022015). Collection method: clinical testing. Allele origin: germline.
Comment: This sequence change replaces histidine, which is basic and polar, with arginine, which is basic and polar, at codon 586 of the ADAR protein (p.His586Arg). This variant is not present in population databases (gnomAD no frequency). This variant has not been reported in the literature in individuals affected with ADAR-related conditions. ClinVar contains an entry for this variant (Variation ID: 2622201). Invitae Evidence Modeling of protein sequence and biophysical properties (such as structural, functional, and spatial information, amino acid conservation, physicochemical variation, residue mobility, and thermodynamic stability) indicates that this missense variant is not expected to disrupt ADAR protein function with a negative predictive value of 80%. In summary, the available evidence is currently insufficient to determine the role of this variant in disease. Therefore, it has been classified as a Variant of Uncertain Significance.